The following is an entry in ClinVar:

NM_003673.4(TCAP):c.218T>C (p.Ile73Thr)

Gene: TCAP (titin-cap; plus strand). Cytogenetic location: 17q12.
Variant type: single nucleotide variant.
Coding change: c.218T>C on transcript NM_003673.4 (MANE Select); coding-DNA position 218, T replaced by C.
Protein change: p.Ile73Thr; replaces isoleucine 73 with threonine.
Molecular consequence: missense variant.
Genome position (GRCh38, 1-based): chr17:39,665,823, T>C. VCF-style: chr17-39665823-T-C. GRCh37 (hg19) VCF-style: chr17-37822076-T-C.
Other names: short protein forms I73T.
Identifiers: ClinVar variation 2098148 (VCV002098148.4), dbSNP rs761833243, ClinGen allele CA8532879.

ClinVar aggregate classification (germline): Uncertain significance (1 of 4 stars; one submission).

Conditions:
Primary familial hypertrophic cardiomyopathy (HCM). Identifiers: Orphanet 99739, MedGen C0949658, MeSH D024741, MONDO:0024573. Inheritance: Various modes of inheritance.
Hypertrophic cardiomyopathy 25 (CMH25). Also called: CARDIOMYOPATHY, FAMILIAL HYPERTROPHIC, 25. Identifiers: MedGen C4225408, MONDO:0011843, OMIM 607487.

Submission:

Labcorp Genetics (formerly Invitae), Labcorp
Classification: Uncertain significance for Hypertrophic cardiomyopathy 25; Primary familial hypertrophic cardiomyopathy. Last evaluated: 2022-02-18. Review status: criteria provided, single submitter. Criteria: Invitae Variant Classification Sherloc (09022015). Collection method: clinical testing. Allele origin: germline.
Comment: This sequence change replaces isoleucine, which is neutral and non-polar, with threonine, which is neutral and polar, at codon 73 of the TCAP protein (p.Ile73Thr). This variant is not present in population databases (gnomAD no frequency). This variant has not been reported in the literature in individuals affected with TCAP-related conditions. Algorithms developed to predict the effect of missense changes on protein structure and function (SIFT, PolyPhen-2, Align-GVGD) all suggest that this variant is likely to be tolerated. In summary, the available evidence is currently insufficient to determine the role of this variant in disease. Therefore, it has been classified as a Variant of Uncertain Significance.